The following is an entry in ClinVar:

ClinVar aggregate classification (germline): Uncertain significance. Review status: criteria provided, multiple submitters, no conflicts (2 of 4 stars). 2 submissions from 2 submitters: Uncertain significance (2). Last evaluated 2024-03-19.

Conditions:
Inborn genetic diseases. Identifiers: MedGen C0950123, MeSH D030342.

Allele frequency attached by ClinVar (database versions not stated): TOPMed below 0.00001; gnomAD 0.00001.
gnomAD v4.1: 4 of 1,611,122 alleles (0.00025%); highest among the groups gnomAD compares: Non-Finnish European, 0.00034%; no homozygotes.

Submissions (2):

Ambry Genetics
Classification: Uncertain significance for Inborn genetic diseases. Last evaluated: 2024-03-19. Review status: criteria provided, single submitter. Criteria: Ambry Variant Classification Scheme 2023. Collection method: clinical testing. Allele origin: germline.

Labcorp Genetics (formerly Invitae), Labcorp
Classification: Uncertain significance. Last evaluated: 2024-02-23. Review status: criteria provided, single submitter. Criteria: Invitae Variant Classification Sherloc (09022015). Collection method: clinical testing. Allele origin: germline.
Comment: This sequence change replaces aspartic acid, which is acidic and polar, with asparagine, which is neutral and polar, at codon 812 of the AP3D1 protein (p.Asp812Asn). This variant is present in population databases (no rsID available, gnomAD 0.02%). This variant has not been reported in the literature in individuals affected with AP3D1-related conditions. ClinVar contains an entry for this variant (Variation ID: 1062167). An algorithm developed to predict the effect of missense changes on protein structure and function (PolyPhen-2) suggests that this variant is likely to be disruptive. In summary, the available evidence is currently insufficient to determine the role of this variant in disease. Therefore, it has been classified as a Variant of Uncertain Significance.

NM_001261826.3(AP3D1):c.2434G>A (p.Asp812Asn)

Gene: AP3D1 (adaptor related protein complex 3 subunit delta 1; minus strand). Cytogenetic location: 19p13.3.
Variant type: single nucleotide variant.
Coding change: c.2434G>A on transcript NM_001261826.3 (MANE Select); coding-DNA position 2434, G replaced by A.
Protein change: p.Asp812Asn; replaces aspartic acid 812 with asparagine.
Molecular consequence: missense variant.
Genome position (GRCh38, 1-based): chr19:2,114,292, C>T on the plus strand (G>A on the coding strand, the complement: AP3D1 is on the minus strand). VCF-style: chr19-2114292-C-T. GRCh37 (hg19) VCF-style: chr19-2114291-C-T.
Other names: c.2434G>A, p.Asp812Asn (NM_001374799.1, NM_003938.8); c.2434G>A (NM_003938.5); short protein forms D812N.
Identifiers: ClinVar variation 1062167 (VCV001062167.10), dbSNP rs1348846884, ClinGen allele CA403209515.